The following is an entry in ClinVar:

NM_001349253.2(SCN11A):c.5282A>G (p.Asp1761Gly)

Gene: SCN11A (sodium voltage-gated channel alpha subunit 11; minus strand). Cytogenetic location: 3p22.2.
Variant type: single nucleotide variant.
Coding change: c.5282A>G on transcript NM_001349253.2 (MANE Select); coding-DNA position 5282, A replaced by G.
Protein change: p.Asp1761Gly; replaces aspartic acid 1761 with glycine.
Molecular consequence: missense variant.
Genome position (GRCh38, 1-based): chr3:38,846,788, T>C on the plus strand (A>G on the coding strand, the complement: SCN11A is on the minus strand). VCF-style: chr3-38846788-T-C. GRCh37 (hg19) VCF-style: chr3-38888279-T-C.
Other names: c.5282A>G, p.Asp1761Gly (NM_014139.3); short protein forms D1761G.
Identifiers: ClinVar variation 1718213 (VCV001718213.5), dbSNP rs2126075265, ClinGen allele CA352159310.

ClinVar aggregate classification (germline): Uncertain significance (1 of 4 stars; one submission).

Conditions:
Hereditary sensory and autonomic neuropathy type 7. Also called: HSAN VII; Neuropathy, hereditary sensory and autonomic, type VII. Identifiers: Orphanet 391397, MedGen C3809882, MONDO:0014244, OMIM 615548.
Familial episodic pain syndrome with predominantly lower limb involvement. Also called: Episodic pain syndrome, familial, 3. Identifiers: Orphanet 391384, Orphanet 391392, MedGen C3809899, MONDO:0014247, OMIM 615552.

Allele frequency attached by ClinVar (database versions not stated): gnomAD 0.00001.
gnomAD v4.1: 1 of 1,614,096 alleles (0.000062%); highest among the groups gnomAD compares: East Asian, 0.0022%; no homozygotes.

Submission:

Labcorp Genetics (formerly Invitae), Labcorp
Classification: Uncertain significance for Familial episodic pain syndrome with predominantly lower limb involvement; Hereditary sensory and autonomic neuropathy type 7. Last evaluated: 2022-08-28. Review status: criteria provided, single submitter. Criteria: Invitae Variant Classification Sherloc (09022015). Collection method: clinical testing. Allele origin: germline.
Comment: This sequence change replaces aspartic acid, which is acidic and polar, with glycine, which is neutral and non-polar, at codon 1761 of the SCN11A protein (p.Asp1761Gly). This variant is not present in population databases (gnomAD no frequency). This variant has not been reported in the literature in individuals affected with SCN11A-related conditions. Algorithms developed to predict the effect of missense changes on protein structure and function (SIFT, PolyPhen-2, Align-GVGD) all suggest that this variant is likely to be tolerated. In summary, the available evidence is currently insufficient to determine the role of this variant in disease. Therefore, it has been classified as a Variant of Uncertain Significance.